The following is an entry in ClinVar:

ClinVar aggregate classification (germline): Pathogenic (1 of 4 stars; one submission).

Conditions:
Kostmann syndrome (SCN3). Also called: KOSTMANN DISEASE; Autosomal recessive severe congenital neutropenia type 3. Identifiers: Orphanet 99749, MedGen C5235141, MONDO:0012548, OMIM 610738.

Submission:

Labcorp Genetics (formerly Invitae), Labcorp
Classification: Pathogenic for Kostmann syndrome. Last evaluated: 2024-11-28. Review status: criteria provided, single submitter. Criteria: Invitae Variant Classification Sherloc (09022015). Collection method: clinical testing. Allele origin: germline.
Comment: This sequence change creates a premature translational stop signal (p.Glu113Aspfs*4) in the HAX1 gene. It is expected to result in an absent or disrupted protein product. Loss-of-function variants in HAX1 are known to be pathogenic (PMID: 17187068). This variant is not present in population databases (gnomAD no frequency). This variant has not been reported in the literature in individuals affected with HAX1-related conditions. For these reasons, this variant has been classified as Pathogenic.

Literature cited by the submitters: PubMed 17187068.

NM_006118.4(HAX1):c.339_340del (p.Glu113fs)

Gene: HAX1 (HCLS1 associated protein X-1; plus strand). Cytogenetic location: 1q21.3.
Variant type: Microsatellite.
Coding change: c.339_340del on transcript NM_006118.4 (MANE Select); coding-DNA positions 339 to 340, 2 bases deleted (GA; older notation c.339_340delGA).
Protein change: p.Glu113fs; shifts the reading frame from glutamic acid 113.
Molecular consequence: frameshift variant.
Genome position (GRCh38, 1-based): chr1:154,273,796-154,273,797, GA deleted; deleting any 2 consecutive bases within chr1:154,273,793-154,273,797 gives the same sequence; the c. name uses the placement nearest the transcript's 3' end. VCF-style (leftmost placement, unchanged base first): chr1-154273792-CAG-C. GRCh37 (hg19) VCF-style: chr1-154246268-CAG-C.
Other names: c.195_196del, p.Glu65fs (NM_001018837.2); short protein forms E113fs, E65fs.
Identifiers: ClinVar variation 3713886 (VCV003713886.2).